The following is an entry in ClinVar:

ClinVar aggregate classification (germline): Conflicting classifications of pathogenicity. Review status: criteria provided, conflicting classifications (1 of 4 stars). 2 submissions from 2 submitters: Likely pathogenic (1); Uncertain significance (1). Last evaluated 2023-04-30.

Conditions:
Craniofrontonasal syndrome (CFNS). Also called: CRANIOFRONTONASAL DYSOSTOSIS. Identifiers: Orphanet 1520, MedGen C0220767, MONDO:0010570, OMIM 304110.

Submissions (2):

Labcorp Genetics (formerly Invitae), Labcorp
Classification: Uncertain significance. Last evaluated: 2023-04-30. Review status: criteria provided, single submitter. Criteria: Invitae Variant Classification Sherloc (09022015). Collection method: clinical testing. Allele origin: germline.
Comment: This variant has been observed in individual(s) with clinical features of EFNB1-related condition (PMID: 33288889). In summary, the available evidence is currently insufficient to determine the role of this variant in disease. Therefore, it has been classified as a Variant of Uncertain Significance. Variants that disrupt the consensus splice site are a relatively common cause of aberrant splicing (PMID: 17576681, 9536098). Algorithms developed to predict the effect of sequence changes on RNA splicing suggest that this variant may disrupt the consensus splice site. ClinVar contains an entry for this variant (Variation ID: 981193). This variant is not present in population databases (gnomAD no frequency). This sequence change falls in intron 1 of the EFNB1 gene. It does not directly change the encoded amino acid sequence of the EFNB1 protein. It affects a nucleotide within the consensus splice site.

Department of Medical Genetics, Oslo University Hospital
Classification: Likely pathogenic for Craniofrontonasal syndrome. Last evaluated: 2016-12-07. Review status: criteria provided, single submitter. Criteria: ACMG Guidelines, 2015. Collection method: clinical testing. Allele origin: germline. Affected: yes. Observed: 1 variant allele, 1 heterozygote.

Literature cited by the submitters: PubMed 33288889 (cited by Labcorp Genetics (formerly Invitae), Labcorp); PubMed 17576681 (cited by Labcorp Genetics (formerly Invitae), Labcorp); PubMed 9536098 (cited by Labcorp Genetics (formerly Invitae), Labcorp).

NM_004429.5(EFNB1):c.128+5G>A

Gene: EFNB1 (ephrin B1; plus strand). Cytogenetic location: Xq13.1.
Variant type: single nucleotide variant.
Coding change: c.128+5G>A on transcript NM_004429.5 (MANE Select); 5 bases into the intron after coding-DNA position 128, G replaced by A.
Molecular consequence: intron variant.
Genome position (GRCh38, 1-based): chrX:68,829,909, G>A. VCF-style: chrX-68829909-G-A. GRCh37 (hg19) VCF-style: chrX-68049752-G-A.
Identifiers: ClinVar variation 981193 (VCV000981193.4), dbSNP rs2080439797, ClinGen allele CA1139667615.